The following is an entry in ClinVar:

NM_001112741.2(KCNC1):c.1432T>G (p.Ser478Ala)

Gene: KCNC1 (potassium voltage-gated channel subfamily C member 1; plus strand). Cytogenetic location: 11p15.1.
Variant type: single nucleotide variant.
Coding change: c.1432T>G on transcript NM_001112741.2 (MANE Select); coding-DNA position 1432, T replaced by G.
Protein change: p.Ser478Ala; replaces serine 478 with alanine.
Molecular consequence: missense variant.
Genome position (GRCh38, 1-based): chr11:17,772,526, T>G. VCF-style: chr11-17772526-T-G. GRCh37 (hg19) VCF-style: chr11-17794073-T-G.
Other names: c.1432T>G, p.Ser478Ala (NM_004976.4); short protein forms S478A.
Identifiers: ClinVar variation 1312325 (VCV001312325.2), dbSNP rs2133805577, ClinGen allele CA379810147.

ClinVar aggregate classification (germline): Uncertain significance (1 of 4 stars; one submission).

Allele frequency attached by ClinVar (database versions not stated): gnomAD exomes below 0.00001.
gnomAD v4.1: 5 of 1,614,074 alleles (0.00031%); highest among the groups gnomAD compares: Non-Finnish European, 0.00042%; no homozygotes.

Submission:

GeneDx
Classification: Uncertain significance. Last evaluated: 2019-09-17. Review status: criteria provided, single submitter. Criteria: GeneDx Variant Classification Process June 2021. Collection method: clinical testing. Allele origin: germline. Affected: yes.
Comment: Not observed in large population cohorts (Lek et al., 2016); In silico analysis, which includes protein predictors and evolutionary conservation, supports that this variant does not alter protein structure/function; Has not been previously published as pathogenic or benign to our knowledge